The following is an entry in ClinVar:

ClinVar aggregate classification (germline): Likely benign. Review status: criteria provided, multiple submitters, no conflicts (2 of 4 stars). 3 submissions from 3 submitters: Likely benign (3). Last evaluated 2026-05-31.

Conditions:
IMPG1-related disorder. Also called: IMPG1-related condition.

Allele frequency attached by ClinVar (database versions not stated): TOPMed 0.00005; gnomAD 0.00006.
gnomAD v4.1: 52 of 1,613,266 alleles (0.0032%); highest among the groups gnomAD compares: East Asian, 0.0089%; 1 homozygote.

Submissions (3):

PreventionGenetics, part of Exact Sciences
Classification: Likely benign for IMPG1-related condition. Last evaluated: 2026-05-31. Review status: criteria provided, single submitter. Criteria: ACMG Guidelines, 2015. Collection method: clinical testing. Allele origin: germline.
Comment: This variant is classified as likely benign based on ACMG/AMP sequence variant interpretation guidelines (Richards et al. 2015 PMID: 25741868, with internal and published modifications).

Labcorp Genetics (formerly Invitae), Labcorp
Classification: Likely benign. Last evaluated: 2024-09-04. Review status: criteria provided, single submitter. Criteria: Invitae Variant Classification Sherloc (09022015). Collection method: clinical testing. Allele origin: germline.

Blueprint Genetics
Classification: Likely benign. Last evaluated: 2023-07-13. Review status: criteria provided, single submitter. Criteria: ACMG Guidelines, 2015. Collection method: clinical testing. Allele origin: germline.

NM_001563.4(IMPG1):c.1269C>T (p.Asp423=)

Gene: IMPG1 (interphotoreceptor matrix proteoglycan 1; minus strand). Cytogenetic location: 6q14.1.
Variant type: single nucleotide variant.
Coding change: c.1269C>T on transcript NM_001563.4 (MANE Select); coding-DNA position 1269, C replaced by T.
Protein change: p.Asp423=; no amino-acid change (aspartic acid 423 retained).
Molecular consequence: synonymous variant.
Genome position (GRCh38, 1-based): chr6:76,002,940, G>A on the plus strand (C>T on the coding strand, the complement: IMPG1 is on the minus strand). VCF-style: chr6-76002940-G-A. GRCh37 (hg19) VCF-style: chr6-76712657-G-A.
Other names: c.1269C>T (NM_001563.3); c.1035C>T, p.Asp345= (NM_001282368.2).
Identifiers: ClinVar variation 1156378 (VCV001156378.11), dbSNP rs758038128, ClinGen allele CA3898169.